The following is an entry in ClinVar:

NM_000059.4(BRCA2):c.8633-1274A>G

Gene: BRCA2 (BRCA2 DNA repair associated; plus strand). Cytogenetic location: 13q13.1.
Variant type: single nucleotide variant.
Coding change: c.8633-1274A>G on transcript NM_000059.4 (MANE Select); 1274 bases into the intron before coding-DNA position 8633, A replaced by G.
Molecular consequence: intron variant.
Genome position (GRCh38, 1-based): chr13:32,375,396, A>G. VCF-style: chr13-32375396-A-G. GRCh37 (hg19) VCF-style: chr13-32949533-A-G.
Other names: IVS 20-1274A>G.
Identifiers: ClinVar variation 209831 (VCV000209831.31), dbSNP rs150600452, ClinGen allele CA276799.
Genomic context (GRCh38, chr13:32,375,396, plus strand): 5'-TATGCAGTTACTTCCTCCACTGAAGTCTTGAACCCCCCAAAGTCATCCATGAGGGTTGGA[A>G]TCAACTTCTGGTAAACTTGTTAATGTTGATATTTTGACTTCCCATGAAACACTAGTGTTC-3'

ClinVar aggregate classification (germline): Benign. Review status: reviewed by expert panel (3 of 4 stars). 2 submissions from 2 submitters: Benign (1). 1 of the submissions does not count toward it. Last evaluated 2015-01-12.

Conditions:
Breast-ovarian cancer, familial, susceptibility to, 2 (BROVCA2). Also called: BRCA2 Hereditary Breast and Ovarian Cancer. Identifiers: Orphanet 145, MedGen C2675520, MONDO:0012933, OMIM 612555. Disease mechanism: loss of function.

Allele frequency attached by ClinVar (database versions not stated): 1000 Genomes Project 30x 0.00250; 1000 Genomes Project 0.00260; TOPMed 0.00290; gnomAD exomes 0.00324 and 0.00403; ExAC 0.00402; gnomAD 0.00411 and 0.00431.
gnomAD v4.1: 1,829 of 452,572 alleles (0.4%); highest among the groups gnomAD compares: Non-Finnish European, 0.48%; 8 homozygotes.

Submissions (2):

Evidence-based Network for the Interpretation of Germline Mutant Alleles (ENIGMA)
Classification: Benign for Breast-ovarian cancer, familial 2. Last evaluated: 2015-01-12. Review status: reviewed by expert panel. Criteria: ENIGMA BRCA1/2 Classification Criteria (2015). Collection method: curation. Allele origin: germline.
Comment: Class 1 not pathogenic based on frequency >1% in an outbred sampleset. Frequency 0.01187 (European), derived from 1000 genomes (2012-04-30).

CeGaT Center for Human Genetics Tuebingen
Classification: Benign. Last evaluated: 2022-11-01. Review status: criteria provided, single submitter. Criteria: CeGaT Center For Human Genetics Tuebingen Variant Classification Criteria Version 2. Collection method: clinical testing. Allele origin: germline. Affected: yes. Observed: 3 variant alleles. Not counted in ClinVar's aggregate classification.
Comment: BRCA2: BS1, BS2